The following is an entry in ClinVar:

ClinVar aggregate classification (germline): Uncertain significance (1 of 4 stars; one submission).

Submission:

Labcorp Genetics (formerly Invitae), Labcorp
Classification: Uncertain significance. Last evaluated: 2025-12-03. Review status: criteria provided, single submitter. Criteria: Invitae Variant Classification Sherloc (09022015). Collection method: clinical testing. Allele origin: germline.
Comment: This variant, c.303_308dup, results in the insertion of 2 amino acid(s) of the SLC12A2 protein (p.Ala106_Ala107dup), but otherwise preserves the integrity of the reading frame. The frequency data for this variant in the population databases is considered unreliable, as metrics indicate poor data quality at this position in the gnomAD database. This variant has not been reported in the literature in individuals affected with SLC12A2-related conditions. Experimental studies and prediction algorithms are not available or were not evaluated, and the functional significance of this variant is currently unknown. In summary, the available evidence is currently insufficient to determine the role of this variant in disease. Therefore, it has been classified as a Variant of Uncertain Significance.

NM_001046.3(SLC12A2):c.288GGC[9] (p.Ala107_Gly108insAlaAla)

Genes: SLC12A2 (solute carrier family 12 member 2; plus strand), LOC129994526 (ATAC-STARR-seq lymphoblastoid silent region 16295; plus strand). Cytogenetic location: 5q23.3.
Variant type: Microsatellite.
Coding change: c.288GGC[9] on transcript NM_001046.3 (MANE Select); nine copies in a row of the 3-base unit GGC starting at c.288; the reference has seven copies in a row; two copies, 6 bases duplicated.
Protein change: p.Ala107_Gly108insAlaAla.
Molecular consequence: inframe insertion. On other transcripts: non-coding transcript variant (1).
Genome position (GRCh38, 1-based): chr5:128,084,257-128,084,262, GGCGGC duplicated; duplicating any 6 consecutive bases within chr5:128,084,240-128,084,262 gives the same sequence; the position shown is the placement nearest the transcript's 3' end. VCF-style (leftmost placement, unchanged base first): chr5-128084239-T-TGCGGCG. GRCh37 (hg19) VCF-style: chr5-127419931-T-TGCGGCG.
Other names: c.288GGC[9], p.Ala107_Gly108insAlaAla (NM_001256461.2).
Identifiers: ClinVar variation 2053048 (VCV002053048.4), dbSNP rs746633185, ClinGen allele CA563056120.